The following is an entry in ClinVar:

ClinVar aggregate classification (germline): Uncertain significance. Review status: criteria provided, multiple submitters, no conflicts (2 of 4 stars). 2 submissions from 2 submitters: Uncertain significance (2). Last evaluated 2024-01-04.

Conditions:
Inborn genetic diseases. Identifiers: MedGen C0950123, MeSH D030342.

Allele frequency attached by ClinVar (database versions not stated): gnomAD exomes 0.00001; ExAC 0.00006; TOPMed 0.00008; ESP Exome Variant Server 0.00024.
gnomAD v4.1: 24 of 1,612,492 alleles (0.0015%); highest among the groups gnomAD compares: African/African-American, 0.031%; no homozygotes.

Submissions (2):

Ambry Genetics
Classification: Uncertain significance for Inborn genetic diseases. Last evaluated: 2024-01-04. Review status: criteria provided, single submitter. Criteria: Ambry Variant Classification Scheme 2023. Collection method: clinical testing. Allele origin: germline.

GeneDx
Classification: Uncertain significance. Last evaluated: 2022-10-25. Review status: criteria provided, single submitter. Criteria: GeneDx Variant Classification Process June 2021. Collection method: clinical testing. Allele origin: germline. Affected: yes.
Comment: In silico analysis supports that this missense variant does not alter protein structure/function; Has not been previously published as pathogenic or benign to our knowledge

NM_001080453.3(INTS1):c.1438G>A (p.Val480Met)

Gene: INTS1 (integrator complex subunit 1; minus strand). Cytogenetic location: 7p22.3.
Variant type: single nucleotide variant.
Coding change: c.1438G>A on transcript NM_001080453.3 (MANE Select); coding-DNA position 1438, G replaced by A.
Protein change: p.Val480Met; replaces valine 480 with methionine.
Molecular consequence: missense variant.
Genome position (GRCh38, 1-based): chr7:1,497,302, C>T on the plus strand (G>A on the coding strand, the complement: INTS1 is on the minus strand). VCF-style: chr7-1497302-C-T. GRCh37 (hg19) VCF-style: chr7-1536938-C-T.
Other names: short protein forms V480M.
Identifiers: ClinVar variation 2500398 (VCV002500398.2), dbSNP rs367619121, ClinGen allele CA4120301.